The following is an entry in ClinVar:

ClinVar aggregate classification (germline): Pathogenic (1 of 4 stars; one submission).

Submission:

Quest Diagnostics Nichols Institute San Juan Capistrano
Classification: Pathogenic. Last evaluated: 2024-07-25. Review status: criteria provided, single submitter. Criteria: ACMG/ClinGen CNV Guidelines, 2019. Collection method: clinical testing. Allele origin: unknown.
Comment: This recurrent copy number loss is associated with chromosome 17q12 deletion syndrome (OMIM 614527) (Mitchel 2025, Rasmussen 2016). Thus, this copy number variant (CNV) is classified as pathogenic with variable expressivity. References: Mitchel et al., GeneReviews [updated 2025 Aug 14]. PMID: 27929632 Rasmussen et al., Am J Med Genet A. 2016 Nov;170(11):2934-2942. PMID: 27409573

GRCh37/hg19 17q12(chr17:34822466-36404136)x1

Genes: AATF (apoptosis antagonizing transcription factor; plus strand), ACACA (acetyl-CoA carboxylase alpha; minus strand), C17orf78 (chromosome 17 open reading frame 78; plus strand), DDX52 (DExD-box helicase 52; minus strand), DHRS11 (dehydrogenase/reductase 11; plus strand) and 12 more. Cytogenetic location: 17q12.
Variant type: copy number loss.
Change: copy number 1 (one copy instead of two) of chr17:34,822,466-36,404,136 (1.58 Mb, GRCh37 coordinates, 1-based), cytogenetic band 17q12.
Identifiers: ClinVar variation 1808648 (VCV001808648.2).